The following is an entry in ClinVar:

ClinVar aggregate classification (germline): Likely benign. Review status: criteria provided, multiple submitters, no conflicts (2 of 4 stars). 2 submissions from 2 submitters: Likely benign (2). Last evaluated 2025-08-20.

Allele frequency attached by ClinVar (database versions not stated): gnomAD 0.00001; ExAC 0.00002; gnomAD exomes 0.00002 and 0.00003; TOPMed 0.00002.
gnomAD v4.1: 63 of 1,612,930 alleles (0.0039%); highest among the groups gnomAD compares: African/African-American, 0.017%; 1 homozygote.

Submissions (2):

Labcorp Genetics (formerly Invitae), Labcorp
Classification: Likely benign. Last evaluated: 2025-08-20. Review status: criteria provided, single submitter. Criteria: Invitae Variant Classification Sherloc (09022015). Collection method: clinical testing. Allele origin: germline.

CeGaT Center for Human Genetics Tuebingen
Classification: Likely benign. Last evaluated: 2023-02-01. Review status: criteria provided, single submitter. Criteria: CeGaT Center For Human Genetics Tuebingen Variant Classification Criteria Version 2. Collection method: clinical testing. Allele origin: germline. Affected: yes. Observed: 1 variant allele.
Comment: CACNA2D4: BP4, BP7

NM_172364.5(CACNA2D4):c.3282A>G (p.Pro1094=)

Gene: CACNA2D4 (calcium voltage-gated channel auxiliary subunit alpha2delta 4; minus strand). Cytogenetic location: 12p13.33.
Variant type: single nucleotide variant.
Coding change: c.3282A>G on transcript NM_172364.5 (MANE Select); coding-DNA position 3282, A replaced by G.
Protein change: p.Pro1094=; no amino-acid change (proline 1094 retained).
Molecular consequence: synonymous variant.
Genome position (GRCh38, 1-based): chr12:1,795,326, T>C on the plus strand (A>G on the coding strand, the complement: CACNA2D4 is on the minus strand). VCF-style: chr12-1795326-T-C. GRCh37 (hg19) VCF-style: chr12-1904492-T-C.
Identifiers: ClinVar variation 1106850 (VCV001106850.32), dbSNP rs112604068, ClinGen allele CA6385996.
Genomic context (GRCh38, chr12:1,795,326, plus strand): 5'-TCCAGCCCACCCTCGATCCGCCTCAACCCGCACCTCTGGATGGAAGGCGTGGCAGGAGTC[T>C]GGTCGCCGGCGGAGCTTCTGGGAGCGCATCCGGTCACATTTGACAGAGGCATTATGTGCA-3'
Protein context (NP_758952.4, residues 1084-1104): RMRSQKLRRR[Pro1094=]DSCHAFHPEE